The following is an entry in ClinVar:

NM_001382391.1(CSPP1):c.43A>T (p.Arg15Ter)

Gene: CSPP1 (centrosome and spindle pole associated protein 1; plus strand). Cytogenetic location: 8q13.1.
Variant type: single nucleotide variant.
Coding change: c.43A>T on transcript NM_001382391.1 (MANE Select); coding-DNA position 43, A replaced by T.
Protein change: p.Arg15Ter; replaces arginine 15 with a stop codon.
Molecular consequence: nonsense.
Genome position (GRCh38, 1-based): chr8:67,074,295, A>T. VCF-style: chr8-67074295-A-T. GRCh37 (hg19) VCF-style: chr8-67986530-A-T.
Other names: c.43A>T, p.Arg15Ter (NM_001363131.2, NM_001363132.2, NM_001363133.2); c.151A>T, p.Arg51Ter (NM_001364869.1, NM_001364870.1, NM_024790.7); short protein forms R15*, R51*.
Identifiers: ClinVar variation 3357070 (VCV003357070.9).
Genomic context (GRCh38, chr8:67,074,295, plus strand): 5'-TTTTAAAGAATCTGCAAAATGGCTGATAATTTGGATGAATTTATTGAAGAGCAAAAAGCC[A>T]GATTGGCCGAAGACAAAGCAGAGTTGGAAAGTGATCCACCTTACATGGAAATGAAGGTAA-3'

ClinVar aggregate classification (germline): Pathogenic/Likely pathogenic. Review status: criteria provided, multiple submitters, no conflicts (2 of 4 stars). 7 submissions from 7 submitters: Pathogenic (2); Likely pathogenic (4). 1 of the submissions does not count toward it. Last evaluated 2025-11-27.

Conditions:
CSPP1-related disorder. Also called: CSPP1-related condition.
Joubert syndrome 21 (JBTS21). Identifiers: MedGen C3810212, MONDO:0014288, OMIM 615636.

gnomAD v4.1: 19 of 1,611,706 alleles (0.0012%); highest among the groups gnomAD compares: East Asian, 0.042%; no homozygotes.

Submissions (7):

Labcorp Genetics (formerly Invitae), Labcorp
Classification: Pathogenic for Joubert syndrome 21. Last evaluated: 2025-11-27. Review status: criteria provided, single submitter. Criteria: Invitae Variant Classification Sherloc (09022015). Collection method: clinical testing. Allele origin: germline.
Comment: This sequence change creates a premature translational stop signal (p.Arg51*) in the CSPP1 gene. It is expected to result in an absent or disrupted protein product. Loss-of-function variants in CSPP1 are known to be pathogenic (PMID: 24360807, 24360808). This variant is present in population databases (rs755119129, gnomAD 0.06%). This variant has not been reported in the literature in individuals affected with CSPP1-related conditions. ClinVar contains an entry for this variant (Variation ID: 3357070). For these reasons, this variant has been classified as Pathogenic.

First Genomix Gene Laboratory, Genetic Diagnostics Department
Classification: Likely pathogenic for Joubert syndrome 21. Last evaluated: 2025-09-19. Review status: criteria provided, single submitter. Criteria: ACMG Guidelines, 2015. Collection method: clinical testing. Allele origin: germline. Inheritance: Autosomal recessive inheritance. Affected: no. Observed: 1 variant allele.

3billion
Classification: Pathogenic for Joubert syndrome 21. Last evaluated: 2025-09-08. Review status: criteria provided, single submitter. Criteria: ACMG Guidelines, 2015. Collection method: clinical testing. Allele origin: germline. Affected: yes.
Comment: The variant is observed at an extremely low frequency in the gnomAD v4.1.0 dataset (total allele frequency: 0.001%). Predicted Consequence/Location: Stop-gained (nonsense): predicted to result in a loss or disruption of normal protein function through nonsense-mediated decay (NMD) or protein truncation. Multiple pathogenic variants are reported downstream of the variant. The variant has been reported at least twice as pathogenic with clinical assertions and evidence for the classification (ClinVar ID: VCV003357070). Therefore, this variant is classified as Pathogenic according to the recommendation of ACMG/AMP guideline.

Department of Pathology and Laboratory Medicine, Sinai Health System
Classification: Likely pathogenic for Joubert syndrome 21. Last evaluated: 2023-09-29. Review status: criteria provided, single submitter. Criteria: ACMG Guidelines, 2015. Collection method: research. Allele origin: germline.

Blueprint Genetics
Classification: Likely pathogenic for CSPP1-related disorders. Last evaluated: 2019-03-01. Review status: criteria provided, single submitter. Criteria: ACMG Guidelines, 2015. Collection method: clinical testing. Allele origin: germline. Affected: yes. Observed: 1 variant allele.

Juno Genomics, Hangzhou Juno Genomics, Inc
Classification: Likely pathogenic for Joubert syndrome 21. Review status: criteria provided, single submitter. Criteria: ACMG Guidelines, 2015. Collection method: clinical testing. Allele origin: germline.
Comment: Absent from controls (or at extremely low frequency if recessive) in Genome Aggregation Database.;Null variant in a gene where loss of function (LOF) is a known mechanism of disease.

PreventionGenetics, part of Exact Sciences
Classification: Uncertain significance for CSPP1-related condition. Last evaluated: 2024-09-04. Review status: no assertion criteria provided. Collection method: clinical testing. Allele origin: germline. Not counted in ClinVar's aggregate classification.
Comment: The CSPP1 c.151A>T variant is predicted to result in premature protein termination (p.Arg51*). This variant was reported in a carrier study of autosomal recessive inherited retinal diseases (Table S3, Hanany et al. 2020. PubMed ID: 31964843). This variant is reported in 0.062% of alleles in individuals of East Asian descent in gnomAD. Although we suspect that this variant may be pathogenic, at this time, the clinical significance of this variant is uncertain due to the absence of conclusive functional and genetic evidence.

Literature cited by the submitters: PubMed 24360807 (cited by Labcorp Genetics (formerly Invitae), Labcorp); PubMed 24360808 (cited by Labcorp Genetics (formerly Invitae), Labcorp).